The following is an entry in ClinVar:

ClinVar aggregate classification (germline): Benign. Review status: criteria provided, multiple submitters, no conflicts (2 of 4 stars). 7 submissions from 7 submitters: Benign (7). Last evaluated 2026-02-04.

Allele frequency attached by ClinVar (database versions not stated): ESP Exome Variant Server 0.10622; gnomAD 0.11228 and 0.11570; TOPMed 0.11331; gnomAD exomes 0.11349 and 0.12677; ExAC 0.13428; 1000 Genomes Project 30x 0.14335; 1000 Genomes Project 0.14876.
gnomAD v4.1: 182,091 of 1,598,284 alleles (11%); highest among the groups gnomAD compares: Middle Eastern, 20%; 11,360 homozygotes.

Submissions (7):

Labcorp Genetics (formerly Invitae), Labcorp
Classification: Benign. Last evaluated: 2026-02-04. Review status: criteria provided, single submitter. Criteria: Invitae Variant Classification Sherloc (09022015). Collection method: clinical testing. Allele origin: germline.

Blueprint Genetics
Classification: Benign. Last evaluated: 2024-11-27. Review status: criteria provided, single submitter. Criteria: ACMG Guidelines, 2015. Collection method: clinical testing. Allele origin: germline.

Mayo Clinic Laboratories, Mayo Clinic
Classification: Benign. Last evaluated: 2022-03-09. Review status: criteria provided, single submitter. Criteria: ACMG Guidelines, 2015. Collection method: clinical testing. Allele origin: germline. Observed: 39 variant alleles.

Eurofins Ntd Llc (ga)
Classification: Benign. Last evaluated: 2018-08-22. Review status: criteria provided, single submitter. Criteria: EGL ClinVar v180209 classification definitions. Collection method: clinical testing. Allele origin: germline. Observed: 1 variant allele, 1 heterozygote.

GeneDx
Classification: Benign. Last evaluated: 2018-08-16. Review status: criteria provided, single submitter. Criteria: GeneDx Variant Classification Process June 2021. Collection method: clinical testing. Allele origin: germline. Affected: yes.

Laboratory for Molecular Medicine, Mass General Brigham Personalized Medicine
Classification: Benign. Last evaluated: 2016-03-21. Review status: criteria provided, single submitter. Criteria: LMM Criteria. Collection method: clinical testing. Allele origin: germline. Observed: 1 variant allele.
Comment: c.1094-10T>A in intron 10 of SLC34A3: This variant is not expected to have clini cal significance because it has been identified in 22.86% (1865/8158) of East As ian chromosomes by the Exome Aggregation Consortium (ExAC; dbSNP rs35535797).

Breakthrough Genomics
Classification: Benign. Review status: criteria provided, single submitter. Criteria: ACMG Guidelines, 2015. Collection method: not provided. Allele origin: germline. Inheritance: Autosomal recessive inheritance. Affected: yes.

NM_001177316.2(SLC34A3):c.1094-10T>A

Gene: SLC34A3 (solute carrier family 34 member 3; plus strand). Cytogenetic location: 9q34.3.
Variant type: single nucleotide variant.
Coding change: c.1094-10T>A on transcript NM_001177316.2 (MANE Select); 10 bases into the intron before coding-DNA position 1094, T replaced by A.
Molecular consequence: intron variant.
Genome position (GRCh38, 1-based): chr9:137,234,406, T>A. VCF-style: chr9-137234406-T-A. GRCh37 (hg19) VCF-style: chr9-140128858-T-A.
Other names: p.?; c.1094-10T>A (NM_001177317.2, NM_080877.3).
Identifiers: ClinVar variation 504912 (VCV000504912.21), dbSNP rs35535797, ClinGen allele CA5364792.